The following is an entry in ClinVar:

NM_003722.5(TP63):c.1528A>T (p.Met510Leu)

Gene: TP63 (tumor protein p63; plus strand). Cytogenetic location: 3q28.
Variant type: single nucleotide variant.
Coding change: c.1528A>T on transcript NM_003722.5 (MANE Select); coding-DNA position 1528, A replaced by T.
Protein change: p.Met510Leu; replaces methionine 510 with leucine.
Molecular consequence: missense variant. On other transcripts: intron variant (4).
Genome position (GRCh38, 1-based): chr3:189,889,360, A>T. VCF-style: chr3-189889360-A-T. GRCh37 (hg19) VCF-style: chr3-189607149-A-T.
Other names: c.1528A>T, p.Met510Leu (NM_001114978.2); c.1246A>T, p.Met416Leu (NM_001114980.2, NM_001114981.2); c.991A>T, p.Met331Leu (NM_001329146.2); c.1516A>T, p.Met506Leu (NM_001329148.2); c.1522A>T, p.Met508Leu (NM_001329964.2); c.1507+2809A>T (NM_001329144.2); c.1225+2809A>T (NM_001329145.2); c.1213+2809A>T (NM_001329149.2); and 1 more; short protein forms M508L, M510L, M331L, M416L, M506L.
Identifiers: ClinVar variation 802036 (VCV000802036.6), dbSNP rs769778189, ClinGen allele CA355758163.
Genomic context (GRCh38, chr3:189,889,360, plus strand): 5'-GATGGCAGTAACCCTTTTTGTTCCTCCTGCTTCTGTTCAGTTCCCATGATGGGCACCCAC[A>T]TGCCAATGGCTGGAGACATGAATGGACTCAGCCCCACCCAGGCACTCCCTCCCCCACTCT-3'
Protein context (NP_003713.3, residues 500-520): GANIPMMGTH[Met510Leu]PMAGDMNGLS

ClinVar aggregate classification (germline): Uncertain significance. Review status: criteria provided, multiple submitters, no conflicts (2 of 4 stars). 3 submissions from 3 submitters: Uncertain significance (3). Last evaluated 2024-04-23.

Conditions:
TP63-Related Spectrum Disorders.
ADULT syndrome. Also called: Acro-Dermo-Ungual-Lacrimal-Tooth Syndrome (ADULT Syndrome); ACRO-DERMATO-UNGUAL-LACRIMAL-TOOTH SYNDROME; Acro-dermato-ungual-lacrimal-tooth (adult) syndrome. Identifiers: Orphanet 978, MedGen C1863204, MONDO:0007072, OMIM 103285.
Ankyloblepharon-ectodermal defects-cleft lip/palate syndrome. Also called: AEC SYNDROME; HAY-WELLS SYNDROME; Hay-Wells syndrome of ectodermal dysplasia; Ankyloblepharon-Ectodermal Defects-Cleft Lip/Palate Syndrome (AEC Syndrome); Ankyloblepharon-ectodermal defects, cleft lip/palate. Identifiers: Orphanet 1071, MedGen C0406709, MONDO:0007124, OMIM 106260.
Limb-mammary syndrome (LMS). Also called: Mammary hypoplasia, ectrodactyly, and other hand/foot anomalies. Identifiers: Orphanet 69085, MedGen C1863753, MONDO:0011334, OMIM 603543.
Orofacial cleft 8. Also called: Cleft lip with or without cleft palate, nonsyndromic, 8. Identifiers: MedGen C1851878, MONDO:0029145, OMIM 618149.
Ectrodactyly, ectodermal dysplasia, and cleft lip-palate syndrome 3. Also called: EEC SYNDROME 3; Ectrodactyly, Ectodermal Dysplasia, Clefting Syndrome; Ectrodactyly, Ectodermal Dysplasia, Clefting Syndrome Type 3 (EEC3); Ectrodactyly, Ectodermal Dysplasia, Cleft Lip/Palate Syndrome 3 (EEC3). Identifiers: Orphanet 1896, MedGen C1858562, MONDO:0011428, OMIM 604292.
Premature ovarian failure 21 (POF21). Identifiers: MedGen C5830399, MONDO:0957216, OMIM 620311.
Rapp-Hodgkin syndrome (RHS). Also called: ECTODERMAL DYSPLASIA, ANHIDROTIC, WITH CLEFT LIP/PALATE; Rapp-Hodgkin ectodermal dysplasia syndrome; Isolated Cleft Lip/Cleft Palate (Orofacial Cleft 8). Identifiers: MedGen C1785148, MONDO:0007508, OMIM 129400.
Split hand-foot malformation 4. Also called: Split-Hand/Foot Malformation Type 4 (SHFM4 syndrome); Split-Hand/Foot Malformation Type 4 (SHFM4). Identifiers: Orphanet 2440, MedGen C1854442, MONDO:0011535, OMIM 605289.

Allele frequency attached by ClinVar (database versions not stated): TOPMed below 0.00001; gnomAD 0.00001.
gnomAD v4.1: 3 of 1,614,016 alleles (0.00019%); highest among the groups gnomAD compares: Non-Finnish European, 0.00025%; no homozygotes.

Submissions (3):

Fulgent Genetics
Classification: Uncertain significance for ADULT syndrome; Ankyloblepharon-ectodermal defects-cleft lip/palate syndrome; Rapp-Hodgkin syndrome; Limb-mammary syndrome; Ectrodactyly, ectodermal dysplasia, and cleft lip-palate syndrome 3; Split hand-foot malformation 4; Orofacial cleft 8; Premature ovarian failure 21. Last evaluated: 2024-04-23. Review status: criteria provided, single submitter. Criteria: ACMG Guidelines, 2015. Collection method: clinical testing. Allele origin: germline.

Labcorp Genetics (formerly Invitae), Labcorp
Classification: Uncertain significance. Last evaluated: 2023-11-27. Review status: criteria provided, single submitter. Criteria: Invitae Variant Classification Sherloc (09022015). Collection method: clinical testing. Allele origin: germline.
Comment: This sequence change replaces methionine, which is neutral and non-polar, with leucine, which is neutral and non-polar, at codon 510 of the TP63 protein (p.Met510Leu). This variant is not present in population databases (gnomAD no frequency). This variant has not been reported in the literature in individuals affected with TP63-related conditions. ClinVar contains an entry for this variant (Variation ID: 802036). Advanced modeling of protein sequence and biophysical properties (such as structural, functional, and spatial information, amino acid conservation, physicochemical variation, residue mobility, and thermodynamic stability) has been performed at Invitae for this missense variant, however the output from this modeling did not meet the statistical confidence thresholds required to predict the impact of this variant on TP63 protein function. In summary, the available evidence is currently insufficient to determine the role of this variant in disease. Therefore, it has been classified as a Variant of Uncertain Significance.

Mendelics
Classification: Uncertain significance for Ectrodactyly, ectodermal dysplasia, and cleft lip-palate syndrome 3. Last evaluated: 2019-05-28. Review status: criteria provided, single submitter. Criteria: Mendelics Assertion Criteria 2017. Collection method: clinical testing. Allele origin: unknown.